The following is an entry in ClinVar:

ClinVar aggregate classification (germline): Benign/Likely benign. Review status: criteria provided, multiple submitters, no conflicts (2 of 4 stars). 24 submissions from 17 submitters: Benign (18); Likely benign (2). 4 of the submissions do not count toward it. Last evaluated 2026-02-04.

Conditions:
Cardiovascular phenotype. Identifiers: MedGen CN230736.
Dilated cardiomyopathy 1G (CMD1G). Identifiers: Orphanet 154, MedGen C1858763, MONDO:0011400, OMIM 604145.
Autosomal recessive limb-girdle muscular dystrophy type 2J (LGMDR10). Also called: MUSCULAR DYSTROPHY, LIMB-GIRDLE, AUTOSOMAL RECESSIVE 10; Limb-girdle muscular dystrophy, type 2J. Identifiers: Orphanet 140922, MedGen C1837342, MONDO:0012127, OMIM 608807.
Early-onset myopathy with fatal cardiomyopathy (CMYO5). Also called: CONGENITAL MYOPATHY 5 WITH CARDIOMYOPATHY; Salih Myopathy. Identifiers: Orphanet 289377, MedGen C2673677, MONDO:0012714, OMIM 611705. Disease mechanism: loss of function.
Myopathy, myofibrillar, 9, with early respiratory failure (MFM9). Also called: Myopathy, distal, with early respiratory failure, autosomal dominant; Hereditary myopathy with early respiratory failure; MYOPATHY, PROXIMAL, WITH EARLY RESPIRATORY MUSCLE INVOLVEMENT; EDSTROM MYOPATHY. Identifiers: Orphanet 178464, Orphanet 34521, MedGen C1863599, MONDO:0011362, OMIM 603689.
Tibial muscular dystrophy (TMD). Also called: Udd Distal Myopathy – Tibial Muscular Dystrophy; Tibial muscular dystrophy, tardive; UDD MYOPATHY. Identifiers: Orphanet 609, MedGen C1838244, MONDO:0010870, OMIM 600334.

Allele frequency attached by ClinVar (database versions not stated): gnomAD 0.02317 and 0.02188; 1000 Genomes Project 30x 0.03451; TOPMed 0.02095; gnomAD exomes 0.03269 and 0.02599; ESP Exome Variant Server 0.01682; ExAC 0.03343; 1000 Genomes Project 0.03654.
gnomAD v4.1: 41,541 of 1,613,210 alleles (2.6%); highest among the groups gnomAD compares: East Asian, 9.3%; 744 homozygotes.

Submissions (24):

Labcorp Genetics (formerly Invitae), Labcorp
Classification: Benign for Dilated cardiomyopathy 1G; Autosomal recessive limb-girdle muscular dystrophy type 2J. Last evaluated: 2026-02-04. Review status: criteria provided, single submitter. Criteria: Invitae Variant Classification Sherloc (09022015). Collection method: clinical testing. Allele origin: germline.

Molecular Diagnostic Laboratory for Inherited Cardiovascular Disease, Montreal Heart Institute
Classification: Benign. Last evaluated: 2025-04-09. Review status: criteria provided, single submitter. Criteria: ACMG Guidelines, 2015. Collection method: clinical testing. Allele origin: germline. Affected: no.

Genome-Nilou Lab
Classification: Benign for Autosomal recessive limb-girdle muscular dystrophy type 2J. Last evaluated: 2021-09-10. Review status: criteria provided, single submitter. Criteria: ACMG Guidelines, 2015. Collection method: clinical testing. Allele origin: germline. Affected: no.

Genome-Nilou Lab
Classification: Benign for Myopathy, myofibrillar, 9, with early respiratory failure. Last evaluated: 2021-09-10. Review status: criteria provided, single submitter. Criteria: ACMG Guidelines, 2015. Collection method: clinical testing. Allele origin: germline. Affected: no.

Genome-Nilou Lab
Classification: Benign for Early-onset myopathy with fatal cardiomyopathy. Last evaluated: 2021-09-10. Review status: criteria provided, single submitter. Criteria: ACMG Guidelines, 2015. Collection method: clinical testing. Allele origin: germline. Affected: no.

Genome-Nilou Lab
Classification: Benign for Tibial muscular dystrophy. Last evaluated: 2021-09-10. Review status: criteria provided, single submitter. Criteria: ACMG Guidelines, 2015. Collection method: clinical testing. Allele origin: germline. Affected: no.

Women's Health and Genetics/Laboratory Corporation of America, LabCorp
Classification: Benign. Last evaluated: 2020-01-06. Review status: criteria provided, single submitter. Criteria: LabCorp Variant Classification Summary - May 2015. Collection method: clinical testing. Allele origin: germline.

Athena Diagnostics
Classification: Benign. Last evaluated: 2018-12-18. Review status: criteria provided, single submitter. Criteria: Athena Diagnostics Criteria. Collection method: clinical testing. Allele origin: germline.

Illumina Laboratory Services, Illumina
Classification: Benign for Tibial muscular dystrophy. Last evaluated: 2018-01-12. Review status: criteria provided, single submitter. Criteria: ICSL Variant Classification Criteria 13 December 2019. Collection method: clinical testing. Allele origin: germline.
Comment: This variant was observed in the ICSL laboratory as part of a predisposition screen in an ostensibly healthy population. It had not been previously curated by ICSL or reported in the Human Gene Mutation Database (HGMD: prior to June 1st, 2018), and was therefore a candidate for classification through an automated scoring system. Utilizing variant allele frequency, disease prevalence and penetrance estimates, and inheritance mode, an automated score was calculated to assess if this variant is too frequent to cause the disease. Based on the score and internal cut-off values, a variant classified as benign is not then subjected to further curation. The score for this variant resulted in a classification of benign for this disease.

Illumina Laboratory Services, Illumina
Classification: Benign for Myopathy, myofibrillar, 9, with early respiratory failure. Last evaluated: 2018-01-12. Review status: criteria provided, single submitter. Criteria: ICSL Variant Classification Criteria 13 December 2019. Collection method: clinical testing. Allele origin: germline.
Comment: the same text as in the submission from Illumina Laboratory Services, Illumina above.

Illumina Laboratory Services, Illumina
Classification: Likely benign for Dilated cardiomyopathy 1G. Last evaluated: 2018-01-12. Review status: criteria provided, single submitter. Criteria: ICSL Variant Classification Criteria 13 December 2019. Collection method: clinical testing. Allele origin: germline.
Comment: This variant was observed in the ICSL laboratory as part of a predisposition screen in an ostensibly healthy population. It had not been previously curated by ICSL or reported in the Human Gene Mutation Database (HGMD: prior to June 1st, 2018), and was therefore a candidate for classification through an automated scoring system. Utilizing variant allele frequency, disease prevalence and penetrance estimates, and inheritance mode, an automated score was calculated to assess if this variant is too frequent to cause the disease. Based on the score and internal cut-off values, a variant classified as likely benign is not then subjected to further curation. The score for this variant resulted in a classification of likely benign for this disease.

Illumina Laboratory Services, Illumina
Classification: Benign for Autosomal recessive limb-girdle muscular dystrophy type 2J. Last evaluated: 2018-01-12. Review status: criteria provided, single submitter. Criteria: ICSL Variant Classification Criteria 13 December 2019. Collection method: clinical testing. Allele origin: germline.
Comment: the same text as in the submission from Illumina Laboratory Services, Illumina above.

Illumina Laboratory Services, Illumina
Classification: Benign for Early-onset myopathy with fatal cardiomyopathy. Last evaluated: 2018-01-12. Review status: criteria provided, single submitter. Criteria: ICSL Variant Classification Criteria 13 December 2019. Collection method: clinical testing. Allele origin: germline.
Comment: the same text as in the submission from Illumina Laboratory Services, Illumina above.

Mayo Clinic Laboratories, Mayo Clinic
Classification: Benign. Last evaluated: 2017-10-03. Review status: criteria provided, single submitter. Criteria: ACMG Guidelines, 2015. Collection method: clinical testing. Allele origin: germline. Observed: 107 variant alleles.

Genetic Services Laboratory, University of Chicago
Classification: Benign for AllHighlyPenetrant. Last evaluated: 2013-08-15. Review status: criteria provided, single submitter. Criteria: ACMG Guidelines, 2007. Collection method: clinical testing. Allele origin: germline.

GeneDx
Classification: Benign. Last evaluated: 2013-04-29. Review status: criteria provided, single submitter. Criteria: GeneDx Variant Classification (06012015). Collection method: clinical testing. Allele origin: germline. Affected: yes.
Comment: This variant is considered likely benign or benign based on one or more of the following criteria: it is a conservative change, it occurs at a poorly conserved position in the protein, it is predicted to be benign by multiple in silico algorithms, and/or has population frequency not consistent with disease.

Ambry Genetics
Classification: Benign for Cardiovascular phenotype. Last evaluated: 2013-02-04. Review status: criteria provided, single submitter. Criteria: Ambry Autosomal Dominant and X-Linked criteria (10/2015). Collection method: clinical testing. Allele origin: germline. Observed: 1 variant allele.

Laboratory for Molecular Medicine, Mass General Brigham Personalized Medicine
Classification: Benign. Last evaluated: 2012-04-19. Review status: criteria provided, single submitter. Criteria: LMM Criteria. Collection method: clinical testing. Allele origin: germline. Observed: 80 variant alleles.

Breakthrough Genomics
Classification: Likely benign. Review status: criteria provided, single submitter. Criteria: ACMG Guidelines, 2015. Collection method: not provided. Allele origin: germline. Inheritance: Autosomal recessive inheritance. Affected: yes.

PreventionGenetics, part of Exact Sciences
Classification: Benign. Review status: criteria provided, single submitter. Criteria: ACMG Guidelines, 2015. Collection method: clinical testing. Allele origin: germline.

Clinical Genetics DNA and cytogenetics Diagnostics Lab, Erasmus MC, Erasmus Medical Center
Classification: Benign. Review status: no assertion criteria provided. Collection method: clinical testing. Allele origin: germline. Affected: yes. Study: VKGL Data-share Consensus. Not counted in ClinVar's aggregate classification.

Clinical Genetics, Academic Medical Center
Classification: Benign. Review status: no assertion criteria provided. Collection method: clinical testing. Allele origin: germline. Affected: yes. Study: VKGL Data-share Consensus. Not counted in ClinVar's aggregate classification.

Genome Diagnostics Laboratory, University Medical Center Utrecht
Classification: Benign. Review status: no assertion criteria provided. Collection method: clinical testing. Allele origin: germline. Affected: yes. Study: VKGL Data-share Consensus. Not counted in ClinVar's aggregate classification.

Laboratory of Diagnostic Genome Analysis, Leiden University Medical Center (LUMC)
Classification: Likely benign. Review status: no assertion criteria provided. Collection method: clinical testing. Allele origin: germline. Affected: yes. Study: VKGL Data-share Consensus. Not counted in ClinVar's aggregate classification.

NM_001267550.2(TTN):c.41508T>C (p.Ala13836=)

Gene: TTN (titin; minus strand). Cytogenetic location: 2q31.2.
Variant type: single nucleotide variant.
Coding change: c.41508T>C on transcript NM_001267550.2 (MANE Select); coding-DNA position 41508, T replaced by C.
Protein change: p.Ala13836=; no amino-acid change (alanine 13836 retained).
Molecular consequence: synonymous variant.
Genome position (GRCh38, 1-based): chr2:178,636,063, A>G on the plus strand (T>C on the coding strand, the complement: TTN is on the minus strand). VCF-style: chr2-178636063-A-G. GRCh37 (hg19) VCF-style: chr2-179500790-A-G.
Other names: p.A11268A:GCT>GCC; p.Ala11268=; c.36585T>C, p.Ala12195= (NM_001256850.1); c.14313T>C, p.Ala4771= (NM_003319.4); c.33804T>C, p.Ala11268= (NM_133378.4); c.14688T>C, p.Ala4896= (NM_133432.3); c.14889T>C, p.Ala4963= (NM_133437.4).
Identifiers: ClinVar variation 46946 (VCV000046946.36), dbSNP rs55847232, ClinGen allele CA283203.
Genomic context (GRCh38, chr2:178,636,063, plus strand): 5'-GTTTTCCACAGTAACTGTGTATGTTCCAGCATCTGTGTCATCTGCATCGTTGATGGTCAG[A>G]GCCCGCATCAAGCCAATGACGCCTGGCACAATTCGGCCAGGTTTCTCCACCACAATCTTG-3'
Protein context (NP_001254479.2, residues 13826-13846): IVPGVIGLMR[Ala13836=]LTINDADDTD